The following is an entry in ClinVar:

ClinVar aggregate classification (germline): Uncertain significance. Review status: criteria provided, multiple submitters, no conflicts (2 of 4 stars). 3 submissions from 3 submitters: Uncertain significance (3). Last evaluated 2024-10-08.

Conditions:
Retinal dystrophy. Also called: Inherited retinal dystrophy. Identifiers: Orphanet 71862, MedGen C0854723, MeSH D058499, MONDO:0019118, HP:0000556.

Allele frequency attached by ClinVar (database versions not stated): gnomAD 0.00003; ExAC 0.00005; TOPMed 0.00009.
gnomAD v4.1: 46 of 1,544,314 alleles (0.003%); highest among the groups gnomAD compares: East Asian, 0.1%; no homozygotes.

Submissions (3):

Labcorp Genetics (formerly Invitae), Labcorp
Classification: Uncertain significance. Last evaluated: 2024-10-08. Review status: criteria provided, single submitter. Criteria: Invitae Variant Classification Sherloc (09022015). Collection method: clinical testing. Allele origin: germline.
Comment: This sequence change replaces proline, which is neutral and non-polar, with alanine, which is neutral and non-polar, at codon 994 of the EYS protein (p.Pro994Ala). This variant is present in population databases (rs749081001, gnomAD 0.1%). This missense change has been observed in individual(s) with retinitis pigmentosa (PMID: 22363543). ClinVar contains an entry for this variant (Variation ID: 2140273). Invitae Evidence Modeling of protein sequence and biophysical properties (such as structural, functional, and spatial information, amino acid conservation, physicochemical variation, residue mobility, and thermodynamic stability) indicates that this missense variant is not expected to disrupt EYS protein function with a negative predictive value of 80%. In summary, the available evidence is currently insufficient to determine the role of this variant in disease. Therefore, it has been classified as a Variant of Uncertain Significance.

Dept Of Ophthalmology, Nagoya University
Classification: Uncertain significance for Retinal dystrophy. Last evaluated: 2023-10-01. Review status: criteria provided, single submitter. Criteria: Submitter's publication. Collection method: research. Allele origin: germline. Affected: yes.

Blueprint Genetics
Classification: Uncertain significance. Last evaluated: 2021-05-18. Review status: criteria provided, single submitter. Criteria: ACMG Guidelines, 2015. Collection method: clinical testing. Allele origin: germline.

Literature cited by the submitters: PubMed 22363543 (cited by Labcorp Genetics (formerly Invitae), Labcorp).

NM_001142800.2(EYS):c.2980C>G (p.Pro994Ala)

Gene: EYS (EGF-like photoreceptor maintenance factor; minus strand). Cytogenetic location: 6q12.
Variant type: single nucleotide variant.
Coding change: c.2980C>G on transcript NM_001142800.2 (MANE Select); coding-DNA position 2980, C replaced by G.
Protein change: p.Pro994Ala; replaces proline 994 with alanine.
Molecular consequence: missense variant.
Genome position (GRCh38, 1-based): chr6:64,886,709, G>C on the plus strand (C>G on the coding strand, the complement: EYS is on the minus strand). VCF-style: chr6-64886709-G-C. GRCh37 (hg19) VCF-style: chr6-65596602-G-C.
Other names: c.2980C>G, p.Pro994Ala (NM_001292009.2); short protein forms P994A.
Identifiers: ClinVar variation 2140273 (VCV002140273.4), dbSNP rs749081001, ClinGen allele CA3877229.